The following is an entry in ClinVar:

NM_000321.3(RB1):c.1199T>G (p.Leu400Arg)

Gene: RB1 (RB transcriptional corepressor 1; plus strand). Cytogenetic location: 13q14.2.
Variant type: single nucleotide variant.
Coding change: c.1199T>G on transcript NM_000321.3 (MANE Select); coding-DNA position 1199, T replaced by G.
Protein change: p.Leu400Arg; replaces leucine 400 with arginine.
Molecular consequence: missense variant.
Genome position (GRCh38, 1-based): chr13:48,373,476, T>G. VCF-style: chr13-48373476-T-G. GRCh37 (hg19) VCF-style: chr13-48947612-T-G.
Other names: c.1199T>G, p.Leu400Arg (NM_001407165.1, NM_001407166.1); short protein forms L400R.
Identifiers: ClinVar variation 3236961 (VCV003236961.1), dbSNP rs2138131298.

ClinVar aggregate classification (germline): Uncertain significance (1 of 4 stars; one submission).

Conditions:
Retinoblastoma (RB1). Also called: RETINOBLASTOMA, SOMATIC. Identifiers: Orphanet 790, MedGen C0035335, MeSH D012175, MONDO:0008380, OMIM 180200, HP:0009919. Disease mechanism: loss of function. Inheritance: Both sporadic and heritable forms are tested..

Submission:

Genetic Diagnostic Laboratory, University of Pennsylvania School of Medicine
Classification: Uncertain significance for Retinoblastoma. Last evaluated: 2024-05-20. Review status: criteria provided, single submitter. Criteria: ACMG Guidelines, 2015. Collection method: clinical testing. Allele origin: germline. Affected: yes. Observed: 1 variant allele.
Comment: Case and Pedigree Information: BILATERAL CASES:0, UNILATERAL CASES:1, TOTAL CASES:1, PEDIGREES:1. ACMG Codes Applied:PM1, PM2, PP3